The following is an entry in ClinVar:

ClinVar aggregate classification (germline): Likely pathogenic (1 of 4 stars; one submission).

Conditions:
Polycystic kidney disease, adult type (PKD1). Also called: POLYCYSTIC KIDNEY DISEASE 1 WITH OR WITHOUT POLYCYSTIC LIVER DISEASE; POLYCYSTIC KIDNEY DISEASE, ADULT, TYPE I; Polycystic Kidney Disease 1, Autosomal Dominant; Polycystic kidney disease 1; Polycystic kidney disease 1, severe; Polycystic Kidney, Autosomal Dominant. Identifiers: MedGen C3149841, MONDO:0008263, OMIM 173900.

Submission:

Fulgent Genetics
Classification: Likely pathogenic for Polycystic kidney disease, adult type. Last evaluated: 2021-06-30. Review status: criteria provided, single submitter. Criteria: ACMG Guidelines, 2015. Collection method: clinical testing. Allele origin: unknown.
Comment: This variant has been detected in individual(s) who were sent for testing of Renasight - kidney gene panel.

NM_001009944.3(PKD1):c.12004-2A>C

Gene: PKD1 (polycystin 1, transient receptor potential channel interacting; minus strand). Cytogenetic location: 16p13.3.
Variant type: single nucleotide variant.
Coding change: c.12004-2A>C on transcript NM_001009944.3 (MANE Select); the canonical splice acceptor site of the intron before coding-DNA position 12004, A replaced by C.
Molecular consequence: splice acceptor variant.
Genome position (GRCh38, 1-based): chr16:2,090,810, T>G on the plus strand (A>C on the coding strand, the complement: PKD1 is on the minus strand). VCF-style: chr16-2090810-T-G. GRCh37 (hg19) VCF-style: chr16-2140811-T-G.
Other names: c.12001-2A>C (NM_000296.4).
Identifiers: ClinVar variation 1179201 (VCV001179201.2), dbSNP rs2091475604, ClinGen allele CA394328208.